The following is an entry in ClinVar:

NM_001372066.1(TFAP2A):c.481del (p.Val161fs)

Gene: TFAP2A (transcription factor AP-2 alpha; minus strand). Cytogenetic location: 6p24.3.
Variant type: Deletion.
Coding change: c.481del on transcript NM_001372066.1 (MANE Select); coding-DNA position 481, one base deleted (G; older notation c.481delG).
Protein change: p.Val161fs; shifts the reading frame from valine 161.
Molecular consequence: frameshift variant.
Genome position (GRCh38, 1-based): chr6:10,409,906, C deleted on the plus strand (G on the coding strand, the reverse complement: TFAP2A is on the minus strand); the first of 2 consecutive C bases (chr6:10,409,906-10,409,907); deleting either gives the same sequence. VCF-style (leftmost placement, unchanged base first): chr6-10409905-AC-A. GRCh37 (hg19) VCF-style: chr6-10410138-AC-A.
Other names: c.457del, p.Val153fs (NM_001032280.3); c.463del, p.Val155fs (NM_001042425.3); short protein forms V153fs, V155fs, V161fs.
Identifiers: ClinVar variation 1805436 (VCV001805436.1), dbSNP rs2532377146, ClinGen allele CA923726251.
Genomic context (GRCh38, chr6:10,409,905, plus strand): 5'-GGGGTAGGTAAGTAGGGGGCTGTGTTCCCTCCCGCGCTGGTTGCGCGGCCTCTTACCGGG[AC>A]CTCCTCGATGGCGTGAGGTAAGGAGTGGATCGAGAGGTCTCCGAGTCCTGAGCTGAGCGC-3'

ClinVar aggregate classification (germline): Pathogenic (1 of 4 stars; one submission).

Conditions:
Branchiooculofacial syndrome (BOFS). Also called: BOF SYNDROME; HEMANGIOMATOUS BRANCHIAL CLEFTS-LIP PSEUDOCLEFT SYNDROME; LIP PSEUDOCLEFT-HEMANGIOMATOUS BRANCHIAL CYST SYNDROME; Branchio-Oculo-Facial Syndrome. Identifiers: Orphanet 1297, MedGen C0376524, MeSH D019280, MONDO:0007235, OMIM 113620.

Submission:

Victorian Clinical Genetics Services, Murdoch Childrens Research Institute
Classification: Pathogenic for Branchiooculofacial syndrome. Last evaluated: 2020-06-11. Review status: criteria provided, single submitter. Criteria: ACMG Guidelines, 2015. Collection method: clinical testing. Allele origin: germline. Inheritance: Autosomal dominant inheritance. Affected: yes.
Comment: Based on the classification scheme VCGS_Germline_v1.3.2, this variant is classified as Pathogenic. Following criteria are met: 0103 - Dominant negative and loss of function are known mechanisms of disease in this gene and are associated with Branchiooculofacial syndrome. NMD predicted variants are associated with loss of function mechanism, whereas missense mutations within DNA-binding domain are linked to dominant negative mechanism (PMID: 23578821). (I) 0107 - This gene is associated with autosomal dominant disease. (I) 0201 - Variant is predicted to cause nonsense-mediated decay (NMD) and loss of protein (premature termination codon is located at least 54 nucleotides upstream of the final exon-exon junction) (exon2 of 7). (SP) 0251 - This variant is heterozygous. (I) 0301 - Variant is absent from gnomAD (both v2 and v3). (SP) 0702 - Other NMD predicted variants comparable to the one identified in this case have strong previous evidence for pathogenicity. Many NMD predicted variants have been reported as pathogenic in individuals with this Branchiooculofacial syndrome (ClinVar, PMID: 21204207, 21728810, 21539471). (SP) 0807 - This variant has no previous evidence of pathogenicity. (I) 0905 - No published segregation evidence has been identified for this variant. (I) 1007 - No published functional evidence has been identified for this variant. (SP) Legend: (SP) - Supporting pathogenic, (I) - Information, (SB) - Supporting benign

Literature cited by the submitters: PubMed 21204207; PubMed 21539471; PubMed 21728810; PubMed 23578821.